The following is an entry in ClinVar:

NM_001128205.2(SULF1):c.763A>G (p.Met255Val)

Gene: SULF1 (sulfatase 1; plus strand). Cytogenetic location: 8q13.3.
Variant type: single nucleotide variant.
Coding change: c.763A>G on transcript NM_001128205.2 (MANE Select); coding-DNA position 763, A replaced by G.
Protein change: p.Met255Val; replaces methionine 255 with valine.
Molecular consequence: missense variant. On other transcripts: non-coding transcript variant (7), 5 prime UTR variant (1).
Genome position (GRCh38, 1-based): chr8:69,600,631, A>G. VCF-style: chr8-69600631-A-G. GRCh37 (hg19) VCF-style: chr8-70512866-A-G.
Other names: c.763A>G, p.Met255Val (NM_001128204.2, NM_001128206.2, NM_001412828.1 and 19 more transcripts); c.577A>G, p.Met193Val (NM_001412841.1, NM_001412842.1); c.163A>G, p.Met55Val (NM_001412844.1, NM_001412845.1); c.-1013A>G (NM_001412846.1); short protein forms M193V, M255V, M55V.
Identifiers: ClinVar variation 2822511 (VCV002822511.3), dbSNP rs2537193701, ClinGen allele CA371225896.

ClinVar aggregate classification (germline): Uncertain significance (1 of 4 stars; one submission).

Submission:

Labcorp Genetics (formerly Invitae), Labcorp
Classification: Uncertain significance. Last evaluated: 2022-12-20. Review status: criteria provided, single submitter. Criteria: Invitae Variant Classification Sherloc (09022015). Collection method: clinical testing. Allele origin: germline.
Comment: This variant has not been reported in the literature in individuals affected with SULF1-related conditions. In summary, the available evidence is currently insufficient to determine the role of this variant in disease. Therefore, it has been classified as a Variant of Uncertain Significance. Algorithms developed to predict the effect of missense changes on protein structure and function (SIFT, PolyPhen-2, Align-GVGD) all suggest that this variant is likely to be tolerated. This variant is not present in population databases (gnomAD no frequency). This sequence change replaces methionine, which is neutral and non-polar, with valine, which is neutral and non-polar, at codon 255 of the SULF1 protein (p.Met255Val).